The following is an entry in ClinVar:

NM_001244008.2(KIF1A):c.3625C>T (p.Pro1209Ser)

Gene: KIF1A (kinesin family member 1A; minus strand). Cytogenetic location: 2q37.3.
Variant type: single nucleotide variant.
Coding change: c.3625C>T on transcript NM_001244008.2 (MANE Select); coding-DNA position 3625, C replaced by T.
Protein change: p.Pro1209Ser; replaces proline 1209 with serine.
Molecular consequence: missense variant.
Genome position (GRCh38, 1-based): chr2:240,742,944, G>A on the plus strand (C>T on the coding strand, the complement: KIF1A is on the minus strand). VCF-style: chr2-240742944-G-A. GRCh37 (hg19) VCF-style: chr2-241682361-G-A.
Other names: c.3349C>T, p.Pro1117Ser (NM_001320705.2, NM_001330289.2, NM_001379638.1); c.3424C>T, p.Pro1142Ser (NM_001330290.2, NM_001379634.1, NM_001379635.1 and 1 more transcripts); c.3700C>T, p.Pro1234Ser (NM_001379631.1); c.3574C>T, p.Pro1192Ser (NM_001379632.1); c.3598C>T, p.Pro1200Ser (NM_001379633.1, NM_001379642.1, NM_001379645.1); c.3322C>T, p.Pro1108Ser (NM_001379636.1, NM_001379639.1, NM_001379641.1 and 6 more transcripts); c.3397C>T, p.Pro1133Ser (NM_001379637.1, NM_001379648.1); c.3319C>T, p.Pro1107Ser (NM_001379640.1); short protein forms P1133S, P1192S, P1209S, P1234S, P1108S, P1117S, P1107S, P1142S.
Identifiers: ClinVar variation 2926488 (VCV002926488.3), dbSNP rs1322603935, ClinGen allele CA351316393.

ClinVar aggregate classification (germline): Uncertain significance (1 of 4 stars; one submission).

Conditions:
Neuropathy, hereditary sensory, type 2C. Also called: Hereditary sensory and autonomic neuropathy type IIC; KIF1A-Related HSAN2 (HSAN2C). Identifiers: Orphanet 970, MedGen C3280168, MONDO:0013634, OMIM 614213.
Hereditary spastic paraplegia 30. Identifiers: Orphanet 101010, MedGen C5235139, MONDO:0012476.
Intellectual disability, autosomal dominant 9 (NESCAVS). Also called: NESCAV SYNDROME; KIF1A-Related Neurodevelopmental Disorder. Identifiers: Orphanet 662367, MedGen C5393830, MONDO:0013656, OMIM 614255.

Allele frequency attached by ClinVar (database versions not stated): gnomAD exomes below 0.00001.
gnomAD v4.1: 1 of 1,611,474 alleles (0.000062%); highest among the groups gnomAD compares: South Asian, 0.0011%; no homozygotes.

Submission:

Labcorp Genetics (formerly Invitae), Labcorp
Classification: Uncertain significance for Hereditary spastic paraplegia 30; Neuropathy, hereditary sensory, type 2C; Intellectual disability, autosomal dominant 9. Last evaluated: 2023-02-13. Review status: criteria provided, single submitter. Criteria: Invitae Variant Classification Sherloc (09022015). Collection method: clinical testing. Allele origin: germline.
Comment: This sequence change replaces proline, which is neutral and non-polar, with serine, which is neutral and polar, at codon 1108 of the KIF1A protein (p.Pro1108Ser). This variant is not present in population databases (gnomAD no frequency). This variant has not been reported in the literature in individuals affected with KIF1A-related conditions. Advanced modeling of protein sequence and biophysical properties (such as structural, functional, and spatial information, amino acid conservation, physicochemical variation, residue mobility, and thermodynamic stability) performed at Invitae indicates that this missense variant is not expected to disrupt KIF1A protein function. In summary, the available evidence is currently insufficient to determine the role of this variant in disease. Therefore, it has been classified as a Variant of Uncertain Significance.